The following is an entry in ClinVar:

ClinVar aggregate classification (germline): Uncertain significance (1 of 4 stars; one submission).

Submission:

Ambry Genetics
Classification: Uncertain significance. Last evaluated: 2023-09-27. Review status: criteria provided, single submitter. Criteria: Ambry Variant Classification Scheme 2023. Collection method: clinical testing. Allele origin: germline.
Comment: The p.G170R variant (also known as c.508G>A), located in coding exon 1 of the EGLN1 gene, results from a G to A substitution at nucleotide position 508. The glycine at codon 170 is replaced by arginine, an amino acid with dissimilar properties. This amino acid position is conserved. In addition, this alteration is predicted to be tolerated by in silico analysis. Since supporting evidence is limited at this time, the clinical significance of this alteration remains unclear.

NM_022051.3(EGLN1):c.508G>A (p.Gly170Arg)

Gene: EGLN1 (egl-9 family hypoxia inducible factor 1; minus strand). Cytogenetic location: 1q42.2.
Variant type: single nucleotide variant.
Coding change: c.508G>A on transcript NM_022051.3 (MANE Select); coding-DNA position 508, G replaced by A.
Protein change: p.Gly170Arg; replaces glycine 170 with arginine.
Molecular consequence: missense variant.
Genome position (GRCh38, 1-based): chr1:231,421,381, C>T on the plus strand (G>A on the coding strand, the complement: EGLN1 is on the minus strand). VCF-style: chr1-231421381-C-T. GRCh37 (hg19) VCF-style: chr1-231557127-C-T.
Other names: c.508G>A, p.Gly170Arg (NM_001377260.1, NM_001377261.1); short protein forms G170R.
Identifiers: ClinVar variation 3227724 (VCV003227724.1), dbSNP rs2527359751, ClinGen allele CA345236768.
Genomic context (GRCh38, chr1:231,421,381, plus strand): 5'-CCGGCAGGGGCTTCGTCTGCCCGTTGGGCCGCAGGCCGCCGCCGGGGCTCAGCGCATCCC[C>T]GGGCGTGTTGCTTGGGGGGTACAGGTTCGCCTTCTCCTGGAACAGCGATGAGCGGGCCGG-3'
Protein context (NP_071334.1, residues 160-180): ANLYPPSNTP[Gly170Arg]DALSPGGGLR